The following is an entry in ClinVar:

NM_000548.5(TSC2):c.1376G>A (p.Gly459Asp)

Gene: TSC2 (TSC complex subunit 2; plus strand). Cytogenetic location: 16p13.3.
Variant type: single nucleotide variant.
Coding change: c.1376G>A on transcript NM_000548.5 (MANE Select); coding-DNA position 1376, G replaced by A.
Protein change: p.Gly459Asp; replaces glycine 459 with aspartic acid.
Molecular consequence: missense variant.
Genome position (GRCh38, 1-based): chr16:2,062,986, G>A. VCF-style: chr16-2062986-G-A. GRCh37 (hg19) VCF-style: chr16-2112987-G-A.
Other names: c.1376G>A, p.Gly459Asp (NM_001077183.3, NM_001114382.3, NM_001363528.2 and 3 more transcripts); c.1265G>A, p.Gly422Asp (NM_001318827.2); c.1229G>A, p.Gly410Asp (NM_001318829.2); c.776G>A, p.Gly259Asp (NM_001318831.2); c.1409G>A, p.Gly470Asp (NM_001318832.2); short protein forms G459D, G410D, G422D, G470D, G259D.
Identifiers: ClinVar variation 318311 (VCV000318311.15), dbSNP rs886051788, ClinGen allele CA10647141.
Genomic context (GRCh38, chr16:2,062,986, plus strand): 5'-GTGGCCGGGCACTCCCCACCCGCCCCAGCAGGCTGCCGTCCCGCAGGAGCGAGTCCCGAG[G>A]CGCCGTGCGCATCAAGGTGCTGGACGTGCTGTCCTTTGTGCTGCTCATCAACAGGCAGTT-3'
Protein context (NP_000539.2, residues 449-469): MERFFRSESR[Gly459Asp]AVRIKVLDVL

ClinVar aggregate classification (germline): Uncertain significance. Review status: criteria provided, multiple submitters, no conflicts (2 of 4 stars). 5 submissions from 5 submitters: Uncertain significance (5). Last evaluated 2026-01-09.

Conditions:
Tuberous sclerosis syndrome (TSC). Also called: Tuberous Sclerosis Complex; Tuberous sclerosis. Identifiers: Orphanet 805, MedGen C0041341, MONDO:0001734.
Isolated focal cortical dysplasia type II (FCORD2). Also called: Focal cortical dysplasia type II; CORTICAL DYSPLASIA OF TAYLOR. Identifiers: Orphanet 268994, MedGen C1846385, MONDO:0011818, OMIM 607341, HP:0032051.
Tuberous sclerosis 2 (TSC2). Identifiers: Orphanet 805, MedGen C1860707, MONDO:0013199, OMIM 613254.
Hereditary cancer-predisposing syndrome. Also called: Neoplastic Syndromes, Hereditary; Hereditary neoplastic syndrome; Tumor predisposition; Hereditary Cancer Syndrome. Identifiers: Orphanet 140162, MedGen C0027672, MeSH D009386, MONDO:0015356.

Allele frequency attached by ClinVar (database versions not stated): gnomAD exomes below 0.00001.
gnomAD v4.1: 5 of 1,550,980 alleles (0.00032%); highest among the groups gnomAD compares: Non-Finnish European, 0.00044%; no homozygotes.

Submissions (5):

Ambry Genetics
Classification: Uncertain significance for Hereditary cancer-predisposing syndrome. Last evaluated: 2026-01-09. Review status: criteria provided, single submitter. Criteria: Ambry Variant Classification Scheme 2023. Collection method: clinical testing. Allele origin: germline.
Comment: The p.G459D variant (also known as c.1376G>A), located in coding exon 13 of the TSC2 gene, results from a G to A substitution at nucleotide position 1376. The glycine at codon 459 is replaced by aspartic acid, an amino acid with similar properties. This amino acid position is poorly conserved in available vertebrate species. In addition, the in silico prediction for this alteration is inconclusive. Based on the available evidence, the clinical significance of this variant remains unclear.

Labcorp Genetics (formerly Invitae), Labcorp
Classification: Uncertain significance for Tuberous sclerosis 2. Last evaluated: 2025-07-14. Review status: criteria provided, single submitter. Criteria: Invitae Variant Classification Sherloc (09022015). Collection method: clinical testing. Allele origin: germline.
Comment: This sequence change replaces glycine, which is neutral and non-polar, with aspartic acid, which is acidic and polar, at codon 459 of the TSC2 protein (p.Gly459Asp). This variant is not present in population databases (gnomAD no frequency). This variant has not been reported in the literature in individuals affected with TSC2-related conditions. ClinVar contains an entry for this variant (Variation ID: 318311). Invitae Evidence Modeling of protein sequence and biophysical properties (such as structural, functional, and spatial information, amino acid conservation, physicochemical variation, residue mobility, and thermodynamic stability) indicates that this missense variant is not expected to disrupt TSC2 protein function with a negative predictive value of 95%. In summary, the available evidence is currently insufficient to determine the role of this variant in disease. Therefore, it has been classified as a Variant of Uncertain Significance.

Baylor Genetics
Classification: Uncertain significance for Isolated focal cortical dysplasia type II. Last evaluated: 2023-12-05. Review status: criteria provided, single submitter. Criteria: ACMG Guidelines, 2015. Collection method: clinical testing. Allele origin: unknown.

All of Us Research Program, National Institutes of Health
Classification: Uncertain significance for Tuberous sclerosis syndrome. Last evaluated: 2023-05-04. Review status: criteria provided, single submitter. Criteria: ACMG Guidelines, 2015. Collection method: clinical testing. Allele origin: germline. Inheritance: Autosomal dominant inheritance. Observed: 1 variant allele, 1 heterozygote.
Comment: This missense variant replaces glycine with aspartic acid at codon 459 of the TSC2 protein. Computational prediction suggests that this variant may not impact protein structure and function (internally defined REVEL score threshold <= 0.5, PMID: 27666373). To our knowledge, functional studies have not been reported for this variant. This variant has not been reported in individuals affected with TSC2-related disorders in the literature. This variant has not been identified in the general population by the Genome Aggregation Database (gnomAD). The available evidence is insufficient to determine the role of this variant in disease conclusively. Therefore, this variant is classified as a Variant of Uncertain Significance.

This study involves interpretation of variants in research participants for the purpose of population health screening. Participant phenotype was not available at the time of variant classification. Additional details can be found in publication PMID: 35346344, PMCID: PMC8962531

Illumina Laboratory Services, Illumina
Classification: Uncertain significance for Tuberous sclerosis syndrome. Last evaluated: 2018-01-13. Review status: criteria provided, single submitter. Criteria: ICSL Variant Classification Criteria 13 December 2019. Collection method: clinical testing. Allele origin: germline.